The following is an entry in ClinVar:

ClinVar aggregate classification (germline): Uncertain significance (1 of 4 stars; one submission).

Conditions:
Succinate-semialdehyde dehydrogenase deficiency (SSADHD). Also called: SSADH DEFICIENCY; 4-HYDROXYBUTYRIC ACIDURIA; GABA METABOLIC DEFECT; Succinic Semialdehyde Dehydrogenase Deficiency. Identifiers: Orphanet 22, MedGen C0268631, MONDO:0010083, OMIM 271980.

Allele frequency attached by ClinVar (database versions not stated): TOPMed 0.00001; ExAC 0.00002; gnomAD exomes 0.00003.
gnomAD v4.1: 9 of 1,614,072 alleles (0.00056%); highest among the groups gnomAD compares: Admixed American, 0.0083%; no homozygotes.

Submission:

Labcorp Genetics (formerly Invitae), Labcorp
Classification: Uncertain significance for Succinate-semialdehyde dehydrogenase deficiency. Last evaluated: 2022-07-12. Review status: criteria provided, single submitter. Criteria: Invitae Variant Classification Sherloc (09022015). Collection method: clinical testing. Allele origin: germline.
Comment: This sequence change replaces glycine, which is neutral and non-polar, with cysteine, which is neutral and slightly polar, at codon 351 of the ALDH5A1 protein (p.Gly351Cys). This variant is present in population databases (rs772638789, gnomAD 0.01%). This variant has not been reported in the literature in individuals affected with ALDH5A1-related conditions. ClinVar contains an entry for this variant (Variation ID: 958448). Advanced modeling of protein sequence and biophysical properties (such as structural, functional, and spatial information, amino acid conservation, physicochemical variation, residue mobility, and thermodynamic stability) performed at Invitae indicates that this missense variant is expected to disrupt ALDH5A1 protein function. Algorithms developed to predict the effect of sequence changes on RNA splicing suggest that this variant may create or strengthen a splice site. In summary, the available evidence is currently insufficient to determine the role of this variant in disease. Therefore, it has been classified as a Variant of Uncertain Significance.

NM_001080.3(ALDH5A1):c.1051G>T (p.Gly351Cys)

Gene: ALDH5A1 (aldehyde dehydrogenase 5 family member A1; plus strand). Cytogenetic location: 6p22.3.
Variant type: single nucleotide variant.
Coding change: c.1051G>T on transcript NM_001080.3 (MANE Select); coding-DNA position 1051, G replaced by T.
Protein change: p.Gly351Cys; replaces glycine 351 with cysteine.
Molecular consequence: missense variant.
Genome position (GRCh38, 1-based): chr6:24,522,803, G>T. VCF-style: chr6-24522803-G-T. GRCh37 (hg19) VCF-style: chr6-24523031-G-T.
Other names: c.907G>T, p.Gly303Cys (NM_001368954.1); c.1090G>T, p.Gly364Cys (NM_170740.1); short protein forms G351C, G303C, G364C.
Identifiers: ClinVar variation 958448 (VCV000958448.7), dbSNP rs772638789, ClinGen allele CA3656840.